The following is an entry in ClinVar:

NM_004260.4(RECQL4):c.86A>G (p.Asp29Gly)

Genes: RECQL4 (RecQ like helicase 4; minus strand), LOC130001411 (ATAC-STARR-seq lymphoblastoid silent region 19699; plus strand). Cytogenetic location: 8q24.3.
Variant type: single nucleotide variant.
Coding change: c.86A>G on transcript NM_004260.4 (MANE Select); coding-DNA position 86, A replaced by G.
Protein change: p.Asp29Gly; replaces aspartic acid 29 with glycine.
Molecular consequence: missense variant.
Genome position (GRCh38, 1-based): chr8:144,517,634, T>C on the plus strand (A>G on the coding strand, the complement: RECQL4 is on the minus strand). VCF-style: chr8-144517634-T-C. GRCh37 (hg19) VCF-style: chr8-145743018-T-C.
Other names: c.86A>G, p.Asp29Gly (NM_001413017.1, NM_001413018.1, NM_001413019.1 and 5 more transcripts); c.-635A>G (NM_001413021.1); c.-986A>G (NM_001413022.1, NM_001413023.1, NM_001413037.1 and 2 more transcripts); c.-883A>G (NM_001413024.1, NM_001413035.1); c.-1048A>G (NM_001413027.1, NM_001413030.1, NM_001413031.1 and 1 more transcripts); c.-711A>G (NM_001413028.1); c.-945A>G (NM_001413032.1); c.-890A>G (NM_001413034.1); and 2 more; short protein forms D29G.
Identifiers: ClinVar variation 1951944 (VCV001951944.5), dbSNP rs2538130001, ClinGen allele CA372693557.

ClinVar aggregate classification (germline): Uncertain significance (1 of 4 stars; one submission).

Conditions:
Baller-Gerold syndrome (BGS). Also called: CRANIOSYNOSTOSIS WITH RADIAL DEFECTS. Identifiers: Orphanet 1225, MedGen C0265308, MONDO:0009039, OMIM 218600.

Submission:

Labcorp Genetics (formerly Invitae), Labcorp
Classification: Uncertain significance for Baller-Gerold syndrome. Last evaluated: 2022-04-25. Review status: criteria provided, single submitter. Criteria: Invitae Variant Classification Sherloc (09022015). Collection method: clinical testing. Allele origin: germline.
Comment: In summary, the available evidence is currently insufficient to determine the role of this variant in disease. Therefore, it has been classified as a Variant of Uncertain Significance. Experimental studies and prediction algorithms are not available or were not evaluated, and the functional significance of this variant is currently unknown. This variant has not been reported in the literature in individuals affected with RECQL4-related conditions. This variant is not present in population databases (gnomAD no frequency). This sequence change replaces aspartic acid, which is acidic and polar, with glycine, which is neutral and non-polar, at codon 29 of the RECQL4 protein (p.Asp29Gly).